The following is an entry in ClinVar:

ClinVar aggregate classification (germline): Uncertain significance. Review status: criteria provided, multiple submitters, no conflicts (2 of 4 stars). 2 submissions from 2 submitters: Uncertain significance (2). Last evaluated 2024-04-29.

Conditions:
POLD1-related polyposis and colorectal cancer syndrome (CRCS10). Also called: Colorectal cancer 10; COLORECTAL CANCER, SUSCEPTIBILITY TO, ON CHROMOSOME 19q; Colorectal cancer, susceptibility to, 10. Identifiers: Orphanet 220460, MedGen C2675481, MONDO:0012953, OMIM 612591.
Hereditary cancer-predisposing syndrome. Also called: Neoplastic Syndromes, Hereditary; Tumor predisposition; Hereditary Cancer Syndrome; Hereditary neoplastic syndrome. Identifiers: Orphanet 140162, MedGen C0027672, MeSH D009386, MONDO:0015356.

Allele frequency attached by ClinVar (database versions not stated): gnomAD exomes below 0.00001; gnomAD 0.00001.
gnomAD v4.1: 5 of 1,611,896 alleles (0.00031%); highest among the groups gnomAD compares: Non-Finnish European, 0.00042%; no homozygotes.

Submissions (2):

Ambry Genetics
Classification: Uncertain significance for Hereditary cancer-predisposing syndrome. Last evaluated: 2024-04-29. Review status: criteria provided, single submitter. Criteria: Ambry Variant Classification Scheme 2023. Collection method: clinical testing. Allele origin: germline.
Comment: The p.M564L variant (also known as c.1690A>T), located in coding exon 13 of the POLD1 gene, results from an A to T substitution at nucleotide position 1690. The methionine at codon 564 is replaced by leucine, an amino acid with highly similar properties. This amino acid position is conserved. In addition, this alteration is predicted to be tolerated by in silico analysis. Since supporting evidence is limited at this time, the clinical significance of this alteration remains unclear.

Labcorp Genetics (formerly Invitae), Labcorp
Classification: Uncertain significance for POLD1-related polyposis and colorectal cancer syndrome. Last evaluated: 2021-07-21. Review status: criteria provided, single submitter. Criteria: Invitae Variant Classification Sherloc (09022015). Collection method: clinical testing. Allele origin: germline.
Comment: In summary, the available evidence is currently insufficient to determine the role of this variant in disease. Therefore, it has been classified as a Variant of Uncertain Significance. Algorithms developed to predict the effect of missense changes on protein structure and function (SIFT, PolyPhen-2, Align-GVGD) all suggest that this variant is likely to be tolerated. This variant has not been reported in the literature in individuals affected with POLD1-related conditions. This variant is not present in population databases (ExAC no frequency). This sequence change replaces methionine with leucine at codon 564 of the POLD1 protein (p.Met564Leu). The methionine residue is moderately conserved and there is a small physicochemical difference between methionine and leucine.

NM_002691.4(POLD1):c.1690A>T (p.Met564Leu)

Gene: POLD1 (DNA polymerase delta 1, catalytic subunit; plus strand). Cytogenetic location: 19q13.33.
Variant type: single nucleotide variant.
Coding change: c.1690A>T on transcript NM_002691.4 (MANE Select); coding-DNA position 1690, A replaced by T.
Protein change: p.Met564Leu; replaces methionine 564 with leucine.
Molecular consequence: missense variant. On other transcripts: non-coding transcript variant (1).
Genome position (GRCh38, 1-based): chr19:50,407,330, A>T. VCF-style: chr19-50407330-A-T. GRCh37 (hg19) VCF-style: chr19-50910587-A-T.
Other names: c.1690A>T, p.Met564Leu (NM_001256849.1, NM_001308632.1); short protein forms M564L.
Identifiers: ClinVar variation 1476644 (VCV001476644.11), dbSNP rs1436876851, ClinGen allele CA406981173.